The following is an entry in ClinVar:

NM_002579.3(PALM):c.877G>A (p.Gly293Ser)

Gene: PALM (paralemmin; plus strand). Cytogenetic location: 19p13.3.
Variant type: single nucleotide variant.
Coding change: c.877G>A on transcript NM_002579.3 (MANE Select); coding-DNA position 877, G replaced by A.
Protein change: p.Gly293Ser; replaces glycine 293 with serine.
Molecular consequence: missense variant.
Genome position (GRCh38, 1-based): chr19:746,527, G>A. VCF-style: chr19-746527-G-A. GRCh37 (hg19) VCF-style: chr19-746527-G-A.
Other names: c.745G>A, p.Gly249Ser (NM_001040134.2); short protein forms G249S, G293S.
Identifiers: ClinVar variation 2080679 (VCV002080679.4), dbSNP rs376890738, ClinGen allele CA9022814.

ClinVar aggregate classification (germline): Uncertain significance (1 of 4 stars; one submission).

Allele frequency attached by ClinVar (database versions not stated): 1000 Genomes Project 30x 0.00016; 1000 Genomes Project 0.00020; ESP Exome Variant Server 0.00015; TOPMed 0.00005; ExAC 0.00008.

Submission:

Labcorp Genetics (formerly Invitae), Labcorp
Classification: Uncertain significance. Last evaluated: 2023-10-13. Review status: criteria provided, single submitter. Criteria: Invitae Variant Classification Sherloc (09022015). Collection method: clinical testing. Allele origin: germline.
Comment: This sequence change replaces glycine, which is neutral and non-polar, with serine, which is neutral and polar, at codon 293 of the PALM protein (p.Gly293Ser). The frequency data for this variant in the population databases is considered unreliable, as metrics indicate poor data quality at this position in the gnomAD database. This variant has not been reported in the literature in individuals affected with PALM-related conditions. ClinVar contains an entry for this variant (Variation ID: 2080679). Algorithms developed to predict the effect of missense changes on protein structure and function output the following: SIFT: "Not Available"; PolyPhen-2: "Benign"; Align-GVGD: "Not Available". The serine amino acid residue is found in multiple mammalian species, which suggests that this missense change does not adversely affect protein function. In summary, the available evidence is currently insufficient to determine the role of this variant in disease. Therefore, it has been classified as a Variant of Uncertain Significance.